The following is an entry in ClinVar:

NM_001110556.2(FLNA):c.7088C>A (p.Ala2363Glu)

Gene: FLNA (filamin A; minus strand). Cytogenetic location: Xq28.
Variant type: single nucleotide variant.
Coding change: c.7088C>A on transcript NM_001110556.2 (MANE Select); coding-DNA position 7088, C replaced by A.
Protein change: p.Ala2363Glu; replaces alanine 2363 with glutamic acid.
Molecular consequence: missense variant.
Genome position (GRCh38, 1-based): chrX:154,350,977, G>T on the plus strand (C>A on the coding strand, the complement: FLNA is on the minus strand). VCF-style: chrX-154350977-G-T. GRCh37 (hg19) VCF-style: chrX-153579345-G-T.
Other names: c.7064C>A, p.Ala2355Glu (NM_001456.4); c.7064C>A (NM_001456.3); short protein forms A2355E, A2363E.
Identifiers: ClinVar variation 2941004 (VCV002941004.4), dbSNP rs2522717096, ClinGen allele CA415185073.

ClinVar aggregate classification (germline): Uncertain significance. Review status: criteria provided, multiple submitters, no conflicts (2 of 4 stars). 2 submissions from 2 submitters: Uncertain significance (2). Last evaluated 2024-01-04.

Conditions:
Oto-palato-digital syndrome, type II (OPD2). Also called: FACIOPALATOOSSEOUS SYNDROME; OPD II SYNDROME; Otopalatodigital Syndrome, Type II; Otopalatodigital Syndrome Type 2 (FLNA-OPD2). Identifiers: Orphanet 669, Orphanet 90652, MedGen C1844696, MONDO:0010571, OMIM 304120.
Heterotopia, periventricular, X-linked dominant (PVNH1). Also called: PERIVENTRICULAR NODULAR HETEROTOPIA 1; X-linked periventricular heterotopia; PERIVENTRICULAR NODULAR HETEROTOPIA 4; HETEROTOPIA, PERIVENTRICULAR, 1. Identifiers: Orphanet 2149, Orphanet 82004, MedGen C1848213, MONDO:0010233, OMIM 300049.
Frontometaphyseal dysplasia (FMD1). Identifiers: Orphanet 1826, MedGen C0265293, MONDO:0015942.
Melnick-Needles syndrome (MNS). Also called: MELNICK-NEEDLES OSTEODYSPLASTY; OSTEODYSPLASTY OF MELNICK AND NEEDLES; Melnick-Needles Syndrome (FLNA-MNS). Identifiers: Orphanet 2484, MedGen C0025237, MONDO:0010650, OMIM 309350.

Submissions (2):

Labcorp Genetics (formerly Invitae), Labcorp
Classification: Uncertain significance for Oto-palato-digital syndrome, type II; Heterotopia, periventricular, X-linked dominant; Frontometaphyseal dysplasia; Melnick-Needles syndrome. Last evaluated: 2024-01-04. Review status: criteria provided, single submitter. Criteria: Invitae Variant Classification Sherloc (09022015). Collection method: clinical testing. Allele origin: germline.
Comment: This sequence change replaces alanine, which is neutral and non-polar, with glutamic acid, which is acidic and polar, at codon 2355 of the FLNA protein (p.Ala2355Glu). This variant is not present in population databases (gnomAD no frequency). This variant has not been reported in the literature in individuals affected with FLNA-related conditions. Advanced modeling of protein sequence and biophysical properties (such as structural, functional, and spatial information, amino acid conservation, physicochemical variation, residue mobility, and thermodynamic stability) performed at Invitae indicates that this missense variant is not expected to disrupt FLNA protein function with a negative predictive value of 95%. In summary, the available evidence is currently insufficient to determine the role of this variant in disease. Therefore, it has been classified as a Variant of Uncertain Significance.

GeneDx
Classification: Uncertain significance. Last evaluated: 2023-05-31. Review status: criteria provided, single submitter. Criteria: GeneDx Variant Classification Process June 2021. Collection method: clinical testing. Allele origin: germline. Affected: yes.
Comment: Has not been previously published as pathogenic or benign to our knowledge; Not observed at significant frequency in large population cohorts (gnomAD); In silico analysis supports that this missense variant does not alter protein structure/function